The following is an entry in ClinVar:

NM_001034853.2(RPGR):c.754G>A (p.Gly252Arg)

Gene: RPGR (retinitis pigmentosa GTPase regulator; minus strand). Cytogenetic location: Xp11.4.
Variant type: single nucleotide variant.
Coding change: c.754G>A on transcript NM_001034853.2 (MANE Select); coding-DNA position 754, G replaced by A.
Protein change: p.Gly252Arg; replaces glycine 252 with arginine.
Molecular consequence: missense variant. On other transcripts: non-coding transcript variant (6).
Genome position (GRCh38, 1-based): chrX:38,310,639, C>T on the plus strand (G>A on the coding strand, the complement: RPGR is on the minus strand). VCF-style: chrX-38310639-C-T. GRCh37 (hg19) VCF-style: chrX-38169892-C-T.
Other names: c.754G>A, p.Gly252Arg (NM_000328.3, NM_001367246.1, NM_001367247.1 and 1 more transcripts); c.751G>A, p.Gly251Arg (NM_001367245.1, NM_001367249.1, NM_001367250.1); c.784G>A, p.Gly262Arg (NM_001367248.1); short protein forms G262R, G251R, G252R.
Identifiers: ClinVar variation 2778384 (VCV002778384.4), dbSNP rs2519865575, ClinGen allele CA412742553.
Genomic context (GRCh38, chrX:38,310,639, plus strand): 5'-GAACGCAGGGAACAGAACAGTGGACTCCACACATACCCGTGAGAACCACAGTATGCTCTC[C>T]ACCACAGGCTACTTGGATCACCTTCTCCGGAATTTCAGACACCAGCTGGGGTGTTCTGTG-3'
Protein context (NP_001030025.1, residues 242-262): PEKVIQVACG[Gly252Arg]EHTVVLTENA

ClinVar aggregate classification (germline): Uncertain significance. Review status: criteria provided, multiple submitters, no conflicts (2 of 4 stars). 2 submissions from 2 submitters: Uncertain significance (2). Last evaluated 2023-02-16.

Conditions:
Primary ciliary dyskinesia. Also called: Ciliary dyskinesia. Identifiers: Orphanet 244, MedGen C0008780, MONDO:0016575, HP:0012265.

Submissions (2):

Labcorp Genetics (formerly Invitae), Labcorp
Classification: Uncertain significance for Primary ciliary dyskinesia. Last evaluated: 2023-02-16. Review status: criteria provided, single submitter. Criteria: Invitae Variant Classification Sherloc (09022015). Collection method: clinical testing. Allele origin: germline.
Comment: This variant is not present in population databases (gnomAD no frequency). This sequence change replaces glycine, which is neutral and non-polar, with arginine, which is basic and polar, at codon 252 of the RPGR protein (p.Gly252Arg). This variant has not been reported in the literature in individuals affected with RPGR-related conditions. Advanced modeling of protein sequence and biophysical properties (such as structural, functional, and spatial information, amino acid conservation, physicochemical variation, residue mobility, and thermodynamic stability) performed at Invitae indicates that this missense variant is expected to disrupt RPGR protein function. In summary, the available evidence is currently insufficient to determine the role of this variant in disease. Therefore, it has been classified as a Variant of Uncertain Significance.

Blueprint Genetics
Classification: Uncertain significance. Last evaluated: 2020-04-06. Review status: criteria provided, single submitter. Criteria: ACMG Guidelines, 2015. Collection method: clinical testing. Allele origin: germline.